The following is an entry in ClinVar:

ClinVar aggregate classification (germline): Uncertain significance (0 of 4 stars; one submission).

Conditions:
Fanconi anemia complementation group B (FANCB). Also called: FANCB-Related Fanconi Anemia; FANCONI PANCYTOPENIA, TYPE 2. Identifiers: Orphanet 84, MedGen C1845292, MONDO:0010351, OMIM 300514.

Submission:

Leiden Open Variation Database
Classification: Uncertain significance for Fanconi anemia complementation group B. Last evaluated: 2020-02-28. Review status: no assertion criteria provided. Collection method: curation. Allele origin: germline. Affected: yes.
Comment: Curator: Arleen D. Auerbach. Submitter to LOVD: Arleen D. Auerbach.

Literature cited by the submitters: PubMed 23613520.

NM_001018113.3(FANCB):c.2027T>C (p.Leu676Pro)

Gene: FANCB (FA complementation group B; minus strand). Cytogenetic location: Xp22.2.
Variant type: single nucleotide variant.
Coding change: c.2027T>C on transcript NM_001018113.3 (MANE Select); coding-DNA position 2027, T replaced by C.
Protein change: p.Leu676Pro; replaces leucine 676 with proline.
Molecular consequence: missense variant.
Genome position (GRCh38, 1-based): chrX:14,844,641, A>G on the plus strand (T>C on the coding strand, the complement: FANCB is on the minus strand). VCF-style: chrX-14844641-A-G. GRCh37 (hg19) VCF-style: chrX-14862763-A-G.
Other names: c.2027T>C, p.Leu676Pro (NM_001324162.2, NM_152633.4); short protein forms L676P.
Identifiers: ClinVar variation 691309 (VCV000691309.2), dbSNP rs1601977531, ClinGen allele CA412438725.